The following is an entry in ClinVar:

NM_001454.4(FOXJ1):c.1227C>T (p.Ser409=)

Gene: FOXJ1 (forkhead box J1; minus strand). Cytogenetic location: 17q25.1.
Variant type: single nucleotide variant.
Coding change: c.1227C>T on transcript NM_001454.4 (MANE Select); coding-DNA position 1227, C replaced by T.
Protein change: p.Ser409=; no amino-acid change (serine 409 retained).
Molecular consequence: synonymous variant.
Genome position (GRCh38, 1-based): chr17:76,137,392, G>A on the plus strand (C>T on the coding strand, the complement: FOXJ1 is on the minus strand). VCF-style: chr17-76137392-G-A. GRCh37 (hg19) VCF-style: chr17-74133473-G-A.
Other names: p.Ser409=.
Identifiers: ClinVar variation 4684251 (VCV004684251.1).
Genomic context (GRCh38, chr17:76,137,392, plus strand): 5'-GGTGGGGCAGGGCCTGGCCTCTTACAAGAAGGCCCCCACGCTGGCCCAGTCCTGCAGGTC[G>A]GAGGCCAGGGTGGCATCCCCAGCCTCAAAGAGGGGCTCCGGGGGCAGGCAGCCACTGCCG-3'
Protein context (NP_001445.2, residues 399-419): LFEAGDATLA[Ser409=]DLQDWASVGA

ClinVar aggregate classification (germline): Likely benign (1 of 4 stars; one submission).

gnomAD v4.1: 684 of 1,525,876 alleles (0.045%); highest among the groups gnomAD compares: Non-Finnish European, 0.056%; 1 homozygote.

Submission:

Mayo Clinic Laboratories, Mayo Clinic
Classification: Likely benign. Last evaluated: 2025-09-18. Review status: criteria provided, single submitter. Criteria: ACMG Guidelines, 2015. Collection method: clinical testing. Allele origin: germline. Observed: 1 variant allele.
Comment: BP4, BP7